The following is an entry in ClinVar:

NM_015072.5(TTLL5):c.1110_1111del (p.Pro371fs)

Gene: TTLL5 (tubulin tyrosine ligase like 5; plus strand). Cytogenetic location: 14q24.3.
Variant type: Microsatellite.
Coding change: c.1110_1111del on transcript NM_015072.5 (MANE Select); coding-DNA positions 1110 to 1111, 2 bases deleted (TC; older notation c.1110_1111delTC).
Protein change: p.Pro371fs; shifts the reading frame from proline 371.
Molecular consequence: frameshift variant.
Genome position (GRCh38, 1-based): chr14:75,732,405-75,732,406, TC deleted; deleting any 2 consecutive bases within chr14:75,732,399-75,732,406 gives the same sequence; the c. name uses the placement nearest the transcript's 3' end. VCF-style (leftmost placement, unchanged base first): chr14-75732398-ATC-A. GRCh37 (hg19) VCF-style: chr14-76198741-ATC-A.
Other names: short protein forms P371fs.
Identifiers: ClinVar variation 2012645 (VCV002012645.4), dbSNP rs1566831299, ClinGen allele CA615070391.

ClinVar aggregate classification (germline): Pathogenic (1 of 4 stars; one submission).

Submission:

Labcorp Genetics (formerly Invitae), Labcorp
Classification: Pathogenic. Last evaluated: 2025-04-28. Review status: criteria provided, single submitter. Criteria: Invitae Variant Classification Sherloc (09022015). Collection method: clinical testing. Allele origin: germline.
Comment: This sequence change creates a premature translational stop signal (p.Pro371Phefs*5) in the TTLL5 gene. It is expected to result in an absent or disrupted protein product. Loss-of-function variants in TTLL5 are known to be pathogenic (PMID: 24791901, 27162334). This variant is present in population databases (no rsID available, gnomAD 0.003%). This variant has not been reported in the literature in individuals affected with TTLL5-related conditions. For these reasons, this variant has been classified as Pathogenic.

Literature cited by the submitters: PubMed 24791901; PubMed 27162334.